The following is an entry in ClinVar:

ClinVar aggregate classification (germline): Uncertain significance (1 of 4 stars; one submission).

Conditions:
Parathyroid carcinoma (PRTC). Also called: CDC73-Related Parathyroid Carcinoma; Parathyroid gland carcinoma. Identifiers: Orphanet 143, MedGen C0687150, MONDO:0012004, OMIM 608266, HP:0006780.

Submission:

Labcorp Genetics (formerly Invitae), Labcorp
Classification: Uncertain significance for Parathyroid carcinoma. Last evaluated: 2017-09-18. Review status: criteria provided, single submitter. Criteria: Invitae Variant Classification Sherloc (09022015). Collection method: clinical testing. Allele origin: germline.
Comment: This sequence change replaces glycine with alanine at codon 28 of the CDC73 protein (p.Gly28Ala). The glycine residue is highly conserved and there is a small physicochemical difference between glycine and alanine. This variant is not present in population databases (ExAC no frequency). This variant has not been reported in the literature in individuals with CDC73-related disease. Algorithms developed to predict the effect of missense changes on protein structure and function do not agree on the potential impact of this missense change (SIFT: "Tolerated"; PolyPhen-2: "Possibly Damaging"; Align-GVGD: "Class C0"). In summary, the available evidence is currently insufficient to determine the role of this variant in disease. Therefore, it has been classified as a Variant of Uncertain Significance.

NM_024529.5(CDC73):c.83G>C (p.Gly28Ala)

Gene: CDC73 (cell division cycle 73; plus strand). Cytogenetic location: 1q31.2.
Variant type: single nucleotide variant.
Coding change: c.83G>C on transcript NM_024529.5 (MANE Select); coding-DNA position 83, G replaced by C.
Protein change: p.Gly28Ala; replaces glycine 28 with alanine.
Molecular consequence: missense variant.
Genome position (GRCh38, 1-based): chr1:193,122,283, G>C. VCF-style: chr1-193122283-G-C. GRCh37 (hg19) VCF-style: chr1-193091413-G-C.
Other names: short protein forms G28A.
Identifiers: ClinVar variation 531644 (VCV000531644.9), dbSNP rs1054465259, ClinGen allele CA34407940.